The following is an entry in ClinVar:

ClinVar aggregate classification (germline): Uncertain significance. Review status: criteria provided, multiple submitters, no conflicts (2 of 4 stars). 3 submissions from 3 submitters: Uncertain significance (3). Last evaluated 2025-12-28.

Conditions:
Hypertrophic cardiomyopathy. Also called: HYPERTROPHIC MYOCARDIOPATHY. Identifiers: Orphanet 217569, MedGen C0007194, MeSH D002312, MONDO:0005045, HP:0001639.
MYH7-related disorder. Also called: MYH7-related disorders; MYH7-related condition; MYH7-related disease.

gnomAD v4.1: 3 of 1,613,638 alleles (0.00019%); highest among the groups gnomAD compares: African/African-American, 0.0027%; no homozygotes.

Submissions (3):

Labcorp Genetics (formerly Invitae), Labcorp
Classification: Uncertain significance for Hypertrophic cardiomyopathy. Last evaluated: 2025-12-28. Review status: criteria provided, single submitter. Criteria: Invitae Variant Classification Sherloc (09022015). Collection method: clinical testing. Allele origin: germline.
Comment: This sequence change replaces alanine, which is neutral and non-polar, with threonine, which is neutral and polar, at codon 1828 of the MYH7 protein (p.Ala1828Thr). This variant is not present in population databases (gnomAD no frequency). This variant has not been reported in the literature in individuals affected with MYH7-related conditions. ClinVar contains an entry for this variant (Variation ID: 312889). Invitae Evidence Modeling of protein sequence and biophysical properties (such as structural, functional, and spatial information, amino acid conservation, physicochemical variation, residue mobility, and thermodynamic stability) has been performed for this missense variant. However, the output from this modeling did not meet the statistical confidence thresholds required to predict the impact of this variant on MYH7 protein function. In summary, the available evidence is currently insufficient to determine the role of this variant in disease. Therefore, it has been classified as a Variant of Uncertain Significance.

PreventionGenetics, part of Exact Sciences
Classification: Uncertain significance for MYH7-related condition. Last evaluated: 2024-11-04. Review status: criteria provided, single submitter. Criteria: ACMG Guidelines, 2015. Collection method: clinical testing. Allele origin: germline.
Comment: The MYH7 c.5482G>A variant is predicted to result in the amino acid substitution p.Ala1828Thr. To our knowledge, this variant has not been reported in the literature or in a large population database (gnomAD), indicating this variant is rare. At this time, the clinical significance of this variant is uncertain due to the absence of conclusive functional and genetic evidence.

Blueprint Genetics
Classification: Uncertain significance. Last evaluated: 2021-02-16. Review status: criteria provided, single submitter. Criteria: ACMG Guidelines, 2015. Collection method: clinical testing. Allele origin: germline.

NM_000257.4(MYH7):c.5482G>A (p.Ala1828Thr)

Gene: MYH7 (myosin heavy chain 7; minus strand). Cytogenetic location: 14q11.2.
Variant type: single nucleotide variant.
Coding change: c.5482G>A on transcript NM_000257.4 (MANE Select); coding-DNA position 5482, G replaced by A.
Protein change: p.Ala1828Thr; replaces alanine 1828 with threonine.
Molecular consequence: missense variant.
Genome position (GRCh38, 1-based): chr14:23,415,072, C>T on the plus strand (G>A on the coding strand, the complement: MYH7 is on the minus strand). VCF-style: chr14-23415072-C-T. GRCh37 (hg19) VCF-style: chr14-23884281-C-T.
Other names: c.5482G>A (LRG_384t1, NM_000257.3); short protein forms A1828T.
Identifiers: ClinVar variation 312889 (VCV000312889.10), dbSNP rs886050415, ClinGen allele CA10639965.